The following is an entry in ClinVar:

ClinVar aggregate classification (germline): Benign/Likely benign. Review status: criteria provided, multiple submitters, no conflicts (2 of 4 stars). 3 submissions from 3 submitters: Benign (1); Likely benign (2). Last evaluated 2025-01-31.

Conditions:
Hereditary nonpolyposis colorectal neoplasms. Identifiers: MedGen C0009405, MeSH D003123.
Hereditary cancer-predisposing syndrome. Also called: Hereditary neoplastic syndrome; Hereditary Cancer Syndrome; Tumor predisposition; Neoplastic Syndromes, Hereditary. Identifiers: Orphanet 140162, MedGen C0027672, MeSH D009386, MONDO:0015356.
Lynch syndrome 4 (LYNCH4). Also called: Colorectal cancer, hereditary nonpolyposis, type 4; Hereditary non-polyposis colorectal cancer, type 4. Identifiers: Orphanet 144, MedGen C1838333, MONDO:0013699, OMIM 614337. Disease mechanism: loss of function.

Allele frequency attached by ClinVar (database versions not stated): TOPMed 0.00001.
gnomAD v4.1: 1 of 1,613,710 alleles (0.000062%); highest among the groups gnomAD compares: African/African-American, 0.0013%; no homozygotes.

Submissions (3):

Myriad Genetics, Inc.
Classification: Benign for Lynch syndrome 4. Last evaluated: 2025-01-31. Review status: criteria provided, single submitter. Criteria: Myriad Autosomal Dominant, Autosomal Recessive and X-Linked Classification Criteria (2023). Collection method: clinical testing. Allele origin: unknown.
Comment: This variant is considered benign. This variant is a silent/synonymous amino acid change and it is not expected to impact splicing.

Labcorp Genetics (formerly Invitae), Labcorp
Classification: Likely benign for Hereditary nonpolyposis colorectal neoplasms. Last evaluated: 2024-09-03. Review status: criteria provided, single submitter. Criteria: Invitae Variant Classification Sherloc (09022015). Collection method: clinical testing. Allele origin: germline.

Ambry Genetics
Classification: Likely benign for Hereditary cancer-predisposing syndrome. Last evaluated: 2023-02-15. Review status: criteria provided, single submitter. Criteria: Ambry Variant Classification Scheme 2023. Collection method: clinical testing. Allele origin: germline.

NM_000535.7(PMS2):c.1923G>C (p.Gly641=)

Gene: PMS2 (PMS1 homolog 2, mismatch repair system component; minus strand). Cytogenetic location: 7p22.1.
Variant type: single nucleotide variant.
Coding change: c.1923G>C on transcript NM_000535.7 (MANE Select); coding-DNA position 1923, G replaced by C.
Protein change: p.Gly641=; no amino-acid change (glycine 641 retained).
Molecular consequence: synonymous variant. On other transcripts: non-coding transcript variant (1).
Genome position (GRCh38, 1-based): chr7:5,986,842, C>G on the plus strand (G>C on the coding strand, the complement: PMS2 is on the minus strand). VCF-style: chr7-5986842-C-G. GRCh37 (hg19) VCF-style: chr7-6026473-C-G.
Other names: c.1518G>C, p.Gly506= (NM_001322003.2, NM_001322004.2, NM_001322005.2 and 1 more transcripts); c.1767G>C, p.Gly589= (NM_001322006.2); c.1605G>C, p.Gly535= (NM_001322007.2, NM_001322008.2); c.1362G>C, p.Gly454= (NM_001322010.2); c.990G>C, p.Gly330= (NM_001322011.2, NM_001322012.2); c.1350G>C, p.Gly450= (NM_001322013.2); c.1923G>C, p.Gly641= (NM_001322014.2); c.1614G>C, p.Gly538= (NM_001322015.2); and 1 more.
Identifiers: ClinVar variation 1127029 (VCV001127029.11), dbSNP rs763278245, ClinGen allele CA453745726.